The following is an entry in ClinVar:

ClinVar aggregate classification (germline): Uncertain significance (1 of 4 stars; one submission).

Conditions:
Fanconi anemia (FA). Also called: Fanconi's anemia. Identifiers: Orphanet 84, MedGen C0015625, MeSH D005199, MONDO:0019391.

Submission:

Labcorp Genetics (formerly Invitae), Labcorp
Classification: Uncertain significance for Fanconi anemia. Last evaluated: 2023-09-30. Review status: criteria provided, single submitter. Criteria: Invitae Variant Classification Sherloc (09022015). Collection method: clinical testing. Allele origin: germline.
Comment: In summary, the available evidence is currently insufficient to determine the role of this variant in disease. Therefore, it has been classified as a Variant of Uncertain Significance. Algorithms developed to predict the effect of missense changes on protein structure and function output the following: SIFT: "Not Available"; PolyPhen-2: "Benign"; Align-GVGD: "Not Available". The glutamine amino acid residue is found in multiple mammalian species, which suggests that this missense change does not adversely affect protein function. This variant has not been reported in the literature in individuals affected with FANCM-related conditions. This variant is not present in population databases (gnomAD no frequency). This sequence change replaces histidine, which is basic and polar, with glutamine, which is neutral and polar, at codon 1451 of the FANCM protein (p.His1451Gln).

NM_020937.4(FANCM):c.4353T>A (p.His1451Gln)

Gene: FANCM (FA complementation group M; plus strand). Cytogenetic location: 14q21.2.
Variant type: single nucleotide variant.
Coding change: c.4353T>A on transcript NM_020937.4 (MANE Select); coding-DNA position 4353, T replaced by A.
Protein change: p.His1451Gln; replaces histidine 1451 with glutamine.
Molecular consequence: missense variant.
Genome position (GRCh38, 1-based): chr14:45,181,672, T>A. VCF-style: chr14-45181672-T-A. GRCh37 (hg19) VCF-style: chr14-45650875-T-A.
Other names: c.4275T>A, p.His1425Gln (NM_001308133.2); short protein forms H1451Q, H1425Q.
Identifiers: ClinVar variation 2764560 (VCV002764560.3), dbSNP rs2503214622, ClinGen allele CA389607329.
Genomic context (GRCh38, chr14:45,181,672, plus strand): 5'-CTTTTACTTTATTTACTTACTTTAGGATCAGAAAAATAGTGAAGTTGATTCTCCACTTCA[T>A]GCTGTCAAAAAGCGCAGATTTCCTATAAACAGAGTAAGTAAATACCAGGTAATGTATAGT-3'
Protein context (NP_065988.1, residues 1441-1461): QKNSEVDSPL[His1451Gln]AVKKRRFPIN